The following is an entry in ClinVar:

ClinVar aggregate classification (germline): Pathogenic (0 of 4 stars; one submission).

Conditions:
Autosomal dominant nonsyndromic hearing loss. Also called: Rare autosomal dominant non-syndromic sensorineural deafness type DFNA. Identifiers: Orphanet 90635, MedGen C5779548, MONDO:0019587.

Submission:

Laboratory of Prof. Karen Avraham, Tel Aviv University
Classification: Pathogenic for Autosomal dominant nonsyndromic hearing loss. Last evaluated: 2019-07-06. Review status: no assertion criteria provided. Collection method: research. Allele origin: germline. Affected: yes. Observed: 9 variant alleles.
Comment: Dominant, congenital, mild-profound high tone SNHL

Literature cited by the submitters: DOI 10.1111/cge.13817.

NM_001001331.4(ATP2B2):c.1033C>T (p.Gln345Ter)

Gene: ATP2B2 (ATPase plasma membrane Ca2+ transporting 2; minus strand). Cytogenetic location: 3p25.3.
Variant type: single nucleotide variant.
Coding change: c.1033C>T on transcript NM_001001331.4 (MANE Select); coding-DNA position 1033, C replaced by T.
Protein change: p.Gln345Ter; replaces glutamine 345 with a stop codon.
Molecular consequence: nonsense. On other transcripts: intron variant (4).
Genome position (GRCh38, 1-based): chr3:10,379,252, G>A on the plus strand (C>T on the coding strand, the complement: ATP2B2 is on the minus strand). VCF-style: chr3-10379252-G-A. GRCh37 (hg19) VCF-style: chr3-10420936-G-A.
Other names: c.908-842C>T (NM_001353564.1, NM_001683.5, NM_001330611.3 and 1 more transcripts); short protein forms Q345*.
Identifiers: ClinVar variation 917514 (VCV000917514.1), dbSNP rs2061464108, ClinGen allele CA351785480.